The following is an entry in ClinVar:

NM_145331.3(MAP3K7):c.1291+3A>T

Gene: MAP3K7 (mitogen-activated protein kinase kinase kinase 7; minus strand). Cytogenetic location: 6q15.
Variant type: single nucleotide variant.
Coding change: c.1291+3A>T on transcript NM_145331.3 (MANE Select); 3 bases into the intron after coding-DNA position 1291, A replaced by T.
Molecular consequence: intron variant.
Genome position (GRCh38, 1-based): chr6:90,544,549, T>A on the plus strand (A>T on the coding strand, the complement: MAP3K7 is on the minus strand). VCF-style: chr6-90544549-T-A. GRCh37 (hg19) VCF-style: chr6-91254268-T-A.
Other names: c.1210+2709A>T (NM_145333.3, NM_003188.4); c.1291+3A>T (NM_145332.3).
Identifiers: ClinVar variation 2187974 (VCV002187974.4), dbSNP rs947162912, ClinGen allele CA142998154.

ClinVar aggregate classification (germline): Uncertain significance (1 of 4 stars; one submission).

Submission:

Labcorp Genetics (formerly Invitae), Labcorp
Classification: Uncertain significance. Last evaluated: 2023-12-30. Review status: criteria provided, single submitter. Criteria: Invitae Variant Classification Sherloc (09022015). Collection method: clinical testing. Allele origin: germline.
Comment: This sequence change falls in intron 12 of the MAP3K7 gene. It does not directly change the encoded amino acid sequence of the MAP3K7 protein. It affects a nucleotide within the consensus splice site. This variant is not present in population databases (gnomAD no frequency). This variant has not been reported in the literature in individuals affected with MAP3K7-related conditions. ClinVar contains an entry for this variant (Variation ID: 2187974). Variants that disrupt the consensus splice site are a relatively common cause of aberrant splicing (PMID: 17576681, 9536098). Algorithms developed to predict the effect of sequence changes on RNA splicing suggest that this variant may disrupt the consensus splice site. In summary, the available evidence is currently insufficient to determine the role of this variant in disease. Therefore, it has been classified as a Variant of Uncertain Significance.

Literature cited by the submitters: PubMed 17576681; PubMed 9536098.